The following is an entry in ClinVar:

ClinVar aggregate classification (germline): Uncertain significance (1 of 4 stars; one submission).

Conditions:
Cardiovascular phenotype. Identifiers: MedGen CN230736.

Submission:

Ambry Genetics
Classification: Uncertain significance for Cardiovascular phenotype. Last evaluated: 2026-04-16. Review status: criteria provided, single submitter. Criteria: Ambry Variant Classification Scheme 2023. Collection method: clinical testing. Allele origin: germline.
Comment: The p.P826S variant (also known as c.2476C>T), located in coding exon 16 of the CBL gene, results from a C to T substitution at nucleotide position 2476. The proline at codon 826 is replaced by serine, an amino acid with similar properties. This amino acid position is conserved. In addition, this alteration is predicted to be deleterious by in silico analysis. Based on the available evidence, the clinical significance of this variant remains unclear.

NM_005188.4(CBL):c.2476C>T (p.Pro826Ser)

Gene: CBL (Cbl proto-oncogene; plus strand). Cytogenetic location: 11q23.3.
Variant type: single nucleotide variant.
Coding change: c.2476C>T on transcript NM_005188.4 (MANE Select); coding-DNA position 2476, C replaced by T.
Protein change: p.Pro826Ser; replaces proline 826 with serine.
Molecular consequence: missense variant.
Genome position (GRCh38, 1-based): chr11:119,299,536, C>T. VCF-style: chr11-119299536-C-T. GRCh37 (hg19) VCF-style: chr11-119170246-C-T.
Other names: short protein forms P826S.
Identifiers: ClinVar variation 4868228 (VCV004868228.1).